The following is an entry in ClinVar:

NM_024426.6(WT1):c.1094G>T (p.Gly365Val)

Gene: WT1 (WT1 transcription factor; minus strand). Cytogenetic location: 11p13.
Variant type: single nucleotide variant.
Coding change: c.1094G>T on transcript NM_024426.6 (MANE Select); coding-DNA position 1094, G replaced by T.
Protein change: p.Gly365Val; replaces glycine 365 with valine.
Molecular consequence: missense variant. On other transcripts: 5 prime UTR variant (1), non-coding transcript variant (2).
Genome position (GRCh38, 1-based): chr11:32,399,967, C>A on the plus strand (G>T on the coding strand, the complement: WT1 is on the minus strand). VCF-style: chr11-32399967-C-A. GRCh37 (hg19) VCF-style: chr11-32421513-C-A.
Other names: c.1043G>T, p.Gly348Val (NM_000378.6, NM_001407045.1, NM_001407048.1 and 1 more transcripts); c.443G>T, p.Gly148Val (NM_001198551.2); c.392G>T, p.Gly131Val (NM_001198552.2); c.-95G>T (NM_001367854.1); c.1088G>T, p.Gly363Val (NM_001407044.1); c.1094G>T, p.Gly365Val (NM_001407046.1, NM_024424.5); c.971G>T, p.Gly324Val (NM_001407047.1); c.920G>T, p.Gly307Val (NM_001407050.1); and 3 more; short protein forms G363V, G307V, G348V, G360V, G111V, G292V, G324V, G365V.
Identifiers: ClinVar variation 3571672 (VCV003571672.2).

ClinVar aggregate classification (germline): Uncertain significance. Review status: criteria provided, multiple submitters, no conflicts (2 of 4 stars). 2 submissions from 2 submitters: Uncertain significance (2). Last evaluated 2024-08-23.

Submissions (2):

Athena Diagnostics
Classification: Uncertain significance. Last evaluated: 2024-08-23. Review status: criteria provided, single submitter. Criteria: Athena Diagnostics Criteria. Collection method: clinical testing. Allele origin: unknown.
Comment: Available data are insufficient to determine the clinical significance of the variant at this time. This variant has not been reported in large, multi-ethnic general populations. This variant has been identified in at least one individual tested at Athena Diagnostics with clinical features associated with this gene. Polyphen and MutationTaster predict this amino acid change may be damaging to the protein.

Blueprint Genetics
Classification: Uncertain significance. Last evaluated: 2024-07-12. Review status: criteria provided, single submitter. Criteria: ACMG Guidelines, 2015. Collection method: clinical testing. Allele origin: germline.